The following is an entry in ClinVar:

NM_001205293.3(CACNA1E):c.3147C>G (p.Ser1049Arg)

Gene: CACNA1E (calcium voltage-gated channel subunit alpha1 E; plus strand). Cytogenetic location: 1q25.3.
Variant type: single nucleotide variant.
Coding change: c.3147C>G on transcript NM_001205293.3 (MANE Select); coding-DNA position 3147, C replaced by G.
Protein change: p.Ser1049Arg; replaces serine 1049 with arginine.
Molecular consequence: missense variant.
Genome position (GRCh38, 1-based): chr1:181,733,635, C>G. VCF-style: chr1-181733635-C-G. GRCh37 (hg19) VCF-style: chr1-181702771-C-G.
Other names: c.3147C>G, p.Ser1049Arg (NM_000721.4); c.3090C>G, p.Ser1030Arg (NM_001205294.2); short protein forms S1030R, S1049R.
Identifiers: ClinVar variation 4538384 (VCV004538384.1).

ClinVar aggregate classification (germline): Uncertain significance (1 of 4 stars; one submission).

Submission:

Greenwood Genetic Center Diagnostic Laboratories, Greenwood Genetic Center
Classification: Uncertain significance. Last evaluated: 2025-04-03. Review status: criteria provided, single submitter. Criteria: ACMG Guidelines, 2015. Collection method: clinical testing. Allele origin: germline. Affected: yes.
Comment: PM2, PP2